The following is an entry in ClinVar:

NM_000064.4(C3):c.928G>A (p.Gly310Arg)

Gene: C3 (complement C3; minus strand). Cytogenetic location: 19p13.3.
Variant type: single nucleotide variant.
Coding change: c.928G>A on transcript NM_000064.4 (MANE Select); coding-DNA position 928, G replaced by A.
Protein change: p.Gly310Arg; replaces glycine 310 with arginine.
Molecular consequence: missense variant.
Genome position (GRCh38, 1-based): chr19:6,713,264, C>T on the plus strand (G>A on the coding strand, the complement: C3 is on the minus strand). VCF-style: chr19-6713264-C-T. GRCh37 (hg19) VCF-style: chr19-6713275-C-T.
Other names: short protein forms G310R.
Identifiers: ClinVar variation 892764 (VCV000892764.10), dbSNP rs139527231, ClinGen allele CA9129617.

ClinVar aggregate classification (germline): Conflicting classifications of pathogenicity. Review status: criteria provided, conflicting classifications (1 of 4 stars). 5 submissions from 3 submitters: Uncertain significance (4); Benign (1). Last evaluated 2025-09-01.

Conditions:
Complement component 3 deficiency. Identifiers: Orphanet 280133, MedGen C3151071, MONDO:0013417, OMIM 613779.
Atypical hemolytic-uremic syndrome with C3 anomaly. Also called: AHUS, SUSCEPTIBILITY TO, 5. Identifiers: Orphanet 2134, MedGen C2752037, MONDO:0013043, OMIM 612925.
Age related macular degeneration 9. Identifiers: MedGen C1969651, MONDO:0012659, OMIM 611378.

Allele frequency attached by ClinVar (database versions not stated): gnomAD exomes 0.00004; ExAC 0.00005; TOPMed 0.00008; gnomAD 0.00009; ESP Exome Variant Server 0.00023.

Submissions (5):

Labcorp Genetics (formerly Invitae), Labcorp
Classification: Uncertain significance. Last evaluated: 2025-09-01. Review status: criteria provided, single submitter. Criteria: Invitae Variant Classification Sherloc (09022015). Collection method: clinical testing. Allele origin: germline.
Comment: This sequence change replaces glycine, which is neutral and non-polar, with arginine, which is basic and polar, at codon 310 of the C3 protein (p.Gly310Arg). This variant is present in population databases (rs139527231, gnomAD 0.008%). This variant has not been reported in the literature in individuals affected with C3-related conditions. ClinVar contains an entry for this variant (Variation ID: 892764). Invitae Evidence Modeling of protein sequence and biophysical properties (such as structural, functional, and spatial information, amino acid conservation, physicochemical variation, residue mobility, and thermodynamic stability) indicates that this missense variant is not expected to disrupt C3 protein function with a negative predictive value of 80%. In summary, the available evidence is currently insufficient to determine the role of this variant in disease. Therefore, it has been classified as a Variant of Uncertain Significance.

Women's Health and Genetics/Laboratory Corporation of America, LabCorp
Classification: Uncertain significance. Last evaluated: 2025-06-13. Review status: criteria provided, single submitter. Criteria: LabCorp Variant Classification Summary - May 2015. Collection method: clinical testing. Allele origin: germline.
Comment: Variant summary: C3 c.928G>A (p.Gly310Arg) results in a non-conservative amino acid change in the encoded protein sequence. Algorithms developed to predict the effect of missense changes on protein structure and function are either unavailable or do not agree on the potential impact of this missense change. The variant allele was found at a frequency of 4.4e-05 in 250910 control chromosomes (gnomAD). This frequency is not significantly higher than estimated for a pathogenic variant in C3 causing &phenotype&, allowing no conclusion about variant significance. To our knowledge, no occurrence of c.928G>A in individuals affected with &phenotype& and no experimental evidence demonstrating its impact on protein function have been reported. ClinVar contains an entry for this variant (Variation ID: 892764). Based on the evidence outlined above, the variant was classified as uncertain significance.

Illumina Laboratory Services, Illumina
Classification: Benign for Atypical hemolytic-uremic syndrome with C3 anomaly. Last evaluated: 2017-04-30. Review status: criteria provided, single submitter. Criteria: ICSL Variant Classification Criteria 13 December 2019. Collection method: clinical testing. Allele origin: germline.
Comment: This variant was observed as part of a predisposition screen in an ostensibly healthy population. A literature search was performed for the gene, cDNA change, and amino acid change (where applicable). No publications were found based on this search. Allele frequency data from public databases was too high to be consistent with this variant causing disease. Therefore, this variant is classified as benign.

Illumina Laboratory Services, Illumina
Classification: Uncertain significance for Age related macular degeneration 9. Last evaluated: 2017-04-28. Review status: criteria provided, single submitter. Criteria: ICSL Variant Classification Criteria 13 December 2019. Collection method: clinical testing. Allele origin: germline.

Illumina Laboratory Services, Illumina
Classification: Uncertain significance for Complement component 3 deficiency. Last evaluated: 2017-04-28. Review status: criteria provided, single submitter. Criteria: ICSL Variant Classification Criteria 13 December 2019. Collection method: clinical testing. Allele origin: germline.